The following is an entry in ClinVar:

NM_006922.4(SCN3A):c.3593C>A (p.Thr1198Asn)

Gene: SCN3A (sodium voltage-gated channel alpha subunit 3; minus strand). Cytogenetic location: 2q24.3.
Variant type: single nucleotide variant.
Coding change: c.3593C>A on transcript NM_006922.4 (MANE Select); coding-DNA position 3593, C replaced by A.
Protein change: p.Thr1198Asn; replaces threonine 1198 with asparagine.
Molecular consequence: missense variant.
Genome position (GRCh38, 1-based): chr2:165,113,892, G>T on the plus strand (C>A on the coding strand, the complement: SCN3A is on the minus strand). VCF-style: chr2-165113892-G-T. GRCh37 (hg19) VCF-style: chr2-165970402-G-T.
Other names: c.3446C>A, p.Thr1149Asn (NM_001081676.2, NM_001081677.2); short protein forms T1149N, T1198N.
Identifiers: ClinVar variation 2429705 (VCV002429705.1), dbSNP rs1267526438, ClinGen allele CA349033732.

ClinVar aggregate classification (germline): Uncertain significance (1 of 4 stars; one submission).

Submission:

GeneDx
Classification: Uncertain significance. Last evaluated: 2022-08-08. Review status: criteria provided, single submitter. Criteria: GeneDx Variant Classification Process June 2021. Collection method: clinical testing. Allele origin: germline. Affected: yes.
Comment: Not observed at significant frequency in large population cohorts (gnomAD); In silico analysis supports that this missense variant has a deleterious effect on protein structure/function; Has not been previously published as pathogenic or benign to our knowledge